The following is an entry in ClinVar:

ClinVar aggregate classification (germline): Uncertain significance (1 of 4 stars; one submission).

Submission:

Labcorp Genetics (formerly Invitae), Labcorp
Classification: Uncertain significance. Last evaluated: 2022-08-23. Review status: criteria provided, single submitter. Criteria: Invitae Variant Classification Sherloc (09022015). Collection method: clinical testing. Allele origin: germline.
Comment: In summary, the available evidence is currently insufficient to determine the role of this variant in disease. Therefore, it has been classified as a Variant of Uncertain Significance. Algorithms developed to predict the effect of missense changes on protein structure and function are either unavailable or do not agree on the potential impact of this missense change (SIFT: "Deleterious"; PolyPhen-2: "Probably Damaging"; Align-GVGD: "Class C0"). This variant has not been reported in the literature in individuals affected with SAG-related conditions. This variant is not present in population databases (gnomAD no frequency). This sequence change replaces aspartic acid, which is acidic and polar, with histidine, which is basic and polar, at codon 23 of the SAG protein (p.Asp23His).

NM_000541.5(SAG):c.67G>C (p.Asp23His)

Gene: SAG (S-antigen visual arrestin; plus strand). Cytogenetic location: 2q37.1.
Variant type: single nucleotide variant.
Coding change: c.67G>C on transcript NM_000541.5 (MANE Select); coding-DNA position 67, G replaced by C.
Protein change: p.Asp23His; replaces aspartic acid 23 with histidine.
Molecular consequence: missense variant.
Genome position (GRCh38, 1-based): chr2:233,309,256, G>C. VCF-style: chr2-233309256-G-C. GRCh37 (hg19) VCF-style: chr2-234217902-G-C.
Other names: short protein forms D23H.
Identifiers: ClinVar variation 2064144 (VCV002064144.4), dbSNP rs1700012604, ClinGen allele CA351040855.